The following is an entry in ClinVar:

NM_000051.4(ATM):c.882A>G (p.Gly294=)

Gene: ATM (ATM serine/threonine kinase; plus strand). Cytogenetic location: 11q22.3.
Variant type: single nucleotide variant.
Coding change: c.882A>G on transcript NM_000051.4 (MANE Select); coding-DNA position 882, A replaced by G.
Protein change: p.Gly294=; no amino-acid change (glycine 294 retained).
Molecular consequence: synonymous variant.
Genome position (GRCh38, 1-based): chr11:108,245,007, A>G. VCF-style: chr11-108245007-A-G. GRCh37 (hg19) VCF-style: chr11-108115734-A-G.
Other names: c.882A>G, p.Gly294= (NM_001351834.2).
Identifiers: ClinVar variation 3253983 (VCV003253983.1), dbSNP rs2135243717.

ClinVar aggregate classification (germline): Benign (1 of 4 stars; one submission).

Conditions:
Familial cancer of breast. Also called: BREAST CANCER, FAMILIAL; Hereditary breast cancer; hereditary breast carcinoma. Identifiers: Orphanet 227535, MedGen C0346153, MONDO:0016419, OMIM 114480. Disease mechanism: loss of function.

Submission:

Myriad Genetics, Inc.
Classification: Benign for Familial cancer of breast. Last evaluated: 2024-04-23. Review status: criteria provided, single submitter. Criteria: Myriad Autosomal Dominant, Autosomal Recessive and X-Linked Classification Criteria (2023). Collection method: clinical testing. Allele origin: unknown.
Comment: This variant is considered benign. This variant is a silent/synonymous amino acid change and it is not expected to impact splicing.